The following is an entry in ClinVar:

NM_004727.3(SLC24A1):c.457T>G (p.Tyr153Asp)

Gene: SLC24A1 (solute carrier family 24 member 1; plus strand). Cytogenetic location: 15q22.31.
Variant type: single nucleotide variant.
Coding change: c.457T>G on transcript NM_004727.3 (MANE Select); coding-DNA position 457, T replaced by G.
Protein change: p.Tyr153Asp; replaces tyrosine 153 with aspartic acid.
Molecular consequence: missense variant.
Genome position (GRCh38, 1-based): chr15:65,624,537, T>G. VCF-style: chr15-65624537-T-G. GRCh37 (hg19) VCF-style: chr15-65916875-T-G.
Other names: c.457T>G, p.Tyr153Asp (NM_001301031.1, NM_001301032.1, NM_001301033.2 and 1 more transcripts); short protein forms Y153D.
Identifiers: ClinVar variation 2102037 (VCV002102037.4), dbSNP rs2548355025, ClinGen allele CA392913896.

ClinVar aggregate classification (germline): Uncertain significance (1 of 4 stars; one submission).

Submission:

Labcorp Genetics (formerly Invitae), Labcorp
Classification: Uncertain significance. Last evaluated: 2022-02-22. Review status: criteria provided, single submitter. Criteria: Invitae Variant Classification Sherloc (09022015). Collection method: clinical testing. Allele origin: germline.
Comment: This variant is not present in population databases (gnomAD no frequency). This variant has not been reported in the literature in individuals affected with SLC24A1-related conditions. Algorithms developed to predict the effect of missense changes on protein structure and function (SIFT, PolyPhen-2, Align-GVGD) all suggest that this variant is likely to be tolerated. In summary, the available evidence is currently insufficient to determine the role of this variant in disease. Therefore, it has been classified as a Variant of Uncertain Significance. This sequence change replaces tyrosine, which is neutral and polar, with aspartic acid, which is acidic and polar, at codon 153 of the SLC24A1 protein (p.Tyr153Asp).